The following is an entry in ClinVar:

ClinVar aggregate classification (germline): Uncertain significance (1 of 4 stars; one submission).

Conditions:
Neuronal ceroid lipofuscinosis. Also called: Neuronal Ceroid Lipofuscinoses. Identifiers: Orphanet 216, Orphanet 79263, MedGen C0027877, MONDO:0016295. Disease mechanism: loss of function.

Allele frequency attached by ClinVar (database versions not stated): gnomAD exomes below 0.00001.
gnomAD v4.1: 2 of 1,613,366 alleles (0.00012%); highest among the groups gnomAD compares: South Asian, 0.0022%; no homozygotes.

Submission:

Labcorp Genetics (formerly Invitae), Labcorp
Classification: Uncertain significance for Neuronal ceroid lipofuscinosis. Last evaluated: 2021-03-03. Review status: criteria provided, single submitter. Criteria: Invitae Variant Classification Sherloc (09022015). Collection method: clinical testing. Allele origin: germline.
Comment: This sequence change replaces arginine with tryptophan at codon 287 of the CLN6 protein (p.Arg287Trp). The arginine residue is highly conserved and there is a moderate physicochemical difference between arginine and tryptophan. This variant is not present in population databases (ExAC no frequency). This variant has not been reported in the literature in individuals with CLN6-related conditions. Algorithms developed to predict the effect of missense changes on protein structure and function are either unavailable or do not agree on the potential impact of this missense change (SIFT: "Deleterious"; PolyPhen-2: "Probably Damaging"; Align-GVGD: "Class C0"). In summary, the available evidence is currently insufficient to determine the role of this variant in disease. Therefore, it has been classified as a Variant of Uncertain Significance.

NM_017882.3(CLN6):c.859A>T (p.Arg287Trp)

Gene: CLN6 (CLN6 transmembrane ER protein; minus strand). Cytogenetic location: 15q23.
Variant type: single nucleotide variant.
Coding change: c.859A>T on transcript NM_017882.3 (MANE Select); coding-DNA position 859, A replaced by T.
Protein change: p.Arg287Trp; replaces arginine 287 with tryptophan.
Molecular consequence: missense variant.
Genome position (GRCh38, 1-based): chr15:68,208,217, T>A on the plus strand (A>T on the coding strand, the complement: CLN6 is on the minus strand). VCF-style: chr15-68208217-T-A. GRCh37 (hg19) VCF-style: chr15-68500555-T-A.
Other names: short protein forms R287W.
Identifiers: ClinVar variation 1443993 (VCV001443993.8), dbSNP rs2141135931, ClinGen allele CA392971732.